The following is an entry in ClinVar:

ClinVar aggregate classification (germline): Uncertain significance (1 of 4 stars; one submission).

Conditions:
Cataract 20 multiple types (CTRCT20). Also called: Membranous cataract. Identifiers: Orphanet 91492, MedGen C0524524, MONDO:0007284, OMIM 116100, HP:0010922.

Submission:

Labcorp Genetics (formerly Invitae), Labcorp
Classification: Uncertain significance for Cataract 20 multiple types. Last evaluated: 2021-06-01. Review status: criteria provided, single submitter. Criteria: Invitae Variant Classification Sherloc (09022015). Collection method: clinical testing. Allele origin: germline.
Comment: This sequence change replaces glycine with aspartic acid at codon 75 of the CRYGS protein (p.Gly75Asp). The glycine residue is highly conserved and there is a moderate physicochemical difference between glycine and aspartic acid. This variant is not present in population databases (ExAC no frequency). This variant has not been reported in the literature in individuals with CRYGS-related conditions. Algorithms developed to predict the effect of missense changes on protein structure and function (SIFT, PolyPhen-2, Align-GVGD) all suggest that this variant is likely to be disruptive, but these predictions have not been confirmed by published functional studies and their clinical significance is uncertain. In summary, the available evidence is currently insufficient to determine the role of this variant in disease. Therefore, it has been classified as a Variant of Uncertain Significance.

NM_017541.4(CRYGS):c.224G>A (p.Gly75Asp)

Gene: CRYGS (crystallin gamma S; minus strand). Cytogenetic location: 3q27.3.
Variant type: single nucleotide variant.
Coding change: c.224G>A on transcript NM_017541.4 (MANE Select); coding-DNA position 224, G replaced by A.
Protein change: p.Gly75Asp; replaces glycine 75 with aspartic acid.
Molecular consequence: missense variant.
Genome position (GRCh38, 1-based): chr3:186,539,395, C>T on the plus strand (G>A on the coding strand, the complement: CRYGS is on the minus strand). VCF-style: chr3-186539395-C-T. GRCh37 (hg19) VCF-style: chr3-186257184-C-T.
Other names: short protein forms G75D.
Identifiers: ClinVar variation 1358112 (VCV001358112.8), dbSNP rs761628147, ClinGen allele CA355703973.